The following is an entry in ClinVar:

ClinVar aggregate classification (germline): Likely pathogenic (1 of 4 stars; one submission).

Conditions:
Hereditary orotic aciduria. Also called: UMPS DEFICIENCY; OPRT AND ODC DEFICIENCY; URIDINE MONOPHOSPHATE SYNTHASE DEFICIENCY; OROTIC ACIDURIA I; OROTIDYLIC PYROPHOSPHORYLASE AND OROTIDYLIC DECARBOXYLASE DEFICIENCY; OROTATE PHOSPHORIBOSYLTRANSFERASE AND OROTIDYLIC DECARBOXYLASE DEFICIENCY. Identifiers: Orphanet 30, MedGen C0220987, MONDO:0009797, OMIM 258900.

Submission:

Juno Genomics, Hangzhou Juno Genomics, Inc
Classification: Likely pathogenic for Hereditary orotic aciduria. Review status: criteria provided, single submitter. Criteria: ACMG Guidelines, 2015. Collection method: clinical testing. Allele origin: germline.
Comment: Absent from controls (or at extremely low frequency if recessive) in Genome Aggregation Database.;Null variant in a gene where loss of function (LOF) is a known mechanism of disease.

NM_000373.4(UMPS):c.622del (p.Ala208fs)

Gene: UMPS (uridine monophosphate synthetase; plus strand). Cytogenetic location: 3q21.2.
Variant type: Deletion.
Coding change: c.622del on transcript NM_000373.4 (MANE Select); coding-DNA position 622, one base deleted (G; older notation c.622delG).
Protein change: p.Ala208fs; shifts the reading frame from alanine 208.
Molecular consequence: frameshift variant. On other transcripts: non-coding transcript variant (2).
Genome position (GRCh38, 1-based): chr3:124,737,879, G deleted; the last of 2 consecutive G bases (chr3:124,737,878-124,737,879); deleting either gives the same sequence. VCF-style (leftmost placement, unchanged base first): chr3-124737877-TG-T. GRCh37 (hg19) VCF-style: chr3-124456724-TG-T.
Other names: short protein forms A208fs.
Identifiers: ClinVar variation 5019125 (VCV005019125.2).